The following is an entry in ClinVar:

ClinVar aggregate classification (germline): Benign (1 of 4 stars; one submission).

gnomAD v4.1: 661 of 1,535,426 alleles (0.043%); highest among the groups gnomAD compares: African/African-American, 0.18%; 4 homozygotes.

Submission:

CeGaT Center for Human Genetics Tuebingen
Classification: Benign. Last evaluated: 2025-02-01. Review status: criteria provided, single submitter. Criteria: CeGaT Center For Human Genetics Tuebingen Variant Classification Criteria Version 2. Collection method: clinical testing. Allele origin: germline. Affected: yes. Observed: 1 variant allele.
Comment: DPF3: BP4, BS1, BS2

NM_001280542.3(DPF3):c.32+1737G>A

Gene: DPF3 (double PHD fingers 3; minus strand). Cytogenetic location: 14q24.2.
Variant type: single nucleotide variant.
Coding change: c.32+1737G>A on transcript NM_001280542.3 (MANE Select); 1737 bases into the intron after coding-DNA position 32, G replaced by A.
Molecular consequence: intron variant. On other transcripts: synonymous variant (1).
Genome position (GRCh38, 1-based): chr14:72,892,320, C>T on the plus strand (G>A on the coding strand, the complement: DPF3 is on the minus strand). VCF-style: chr14-72892320-C-T. GRCh37 (hg19) VCF-style: chr14-73359028-C-T.
Other names: c.24G>A, p.Gly8= (NM_001280544.2); c.32+1737G>A (NM_012074.5); c.-83+1737G>A (NM_001280543.2).
Identifiers: ClinVar variation 3770983 (VCV003770983.13).
Genomic context (GRCh38, chr14:72,892,320, plus strand): 5'-AAACAGCATCAGCGGTGTTGCAGCGAAAGCAACCGGCAGCGAGGATGCGGCGAAGTTACG[C>T]CCATTTATTCTGCCATAAAACATTTTCTTTCTTGGGTGAAACGCTGTGGCGTTCAAGCGC-3'